The following is an entry in ClinVar:

NM_014000.3(VCL):c.1838C>G (p.Ala613Gly)

Gene: VCL (vinculin; plus strand). Cytogenetic location: 10q22.2.
Variant type: single nucleotide variant.
Coding change: c.1838C>G on transcript NM_014000.3 (MANE Select); coding-DNA position 1838, C replaced by G.
Protein change: p.Ala613Gly; replaces alanine 613 with glycine.
Molecular consequence: missense variant.
Genome position (GRCh38, 1-based): chr10:74,097,298, C>G. VCF-style: chr10-74097298-C-G. GRCh37 (hg19) VCF-style: chr10-75857056-C-G.
Other names: c.1838C>G, p.Ala613Gly (NM_003373.4); short protein forms A613G.
Identifiers: ClinVar variation 3694048 (VCV003694048.2).

ClinVar aggregate classification (germline): Uncertain significance (1 of 4 stars; one submission).

Conditions:
Dilated cardiomyopathy 1W (CMD1W). Identifiers: Orphanet 154, MedGen C1969639, MONDO:0012667, OMIM 611407.

Submission:

Labcorp Genetics (formerly Invitae), Labcorp
Classification: Uncertain significance for Dilated cardiomyopathy 1W. Last evaluated: 2025-01-29. Review status: criteria provided, single submitter. Criteria: Invitae Variant Classification Sherloc (09022015). Collection method: clinical testing. Allele origin: germline.
Comment: This sequence change replaces alanine, which is neutral and non-polar, with glycine, which is neutral and non-polar, at codon 613 of the VCL protein (p.Ala613Gly). The frequency data for this variant in the population databases is considered unreliable, as metrics indicate poor data quality at this position in the gnomAD database. This variant has not been reported in the literature in individuals affected with VCL-related conditions. An algorithm developed to predict the effect of missense changes on protein structure and function (PolyPhen-2) suggests that this variant is likely to be disruptive. In summary, the available evidence is currently insufficient to determine the role of this variant in disease. Therefore, it has been classified as a Variant of Uncertain Significance.